The following is an entry in ClinVar:

NM_012210.4(TRIM32):c.900A>G (p.Thr300=)

Genes: ASTN2 (astrotactin 2; minus strand), TRIM32 (tripartite motif containing 32; plus strand). Cytogenetic location: 9q33.1.
Variant type: single nucleotide variant.
Coding change: c.900A>G on transcript NM_012210.4 (MANE Select); coding-DNA position 900, A replaced by G.
Protein change: p.Thr300=; no amino-acid change (threonine 300 retained).
Molecular consequence: synonymous variant. On other transcripts: intron variant (3).
Genome position (GRCh38, 1-based): chr9:116,698,642, A>G. VCF-style: chr9-116698642-A-G. GRCh37 (hg19) VCF-style: chr9-119460921-A-G.
Other names: c.900A>G, p.Thr300= (NM_001379050.1, NM_001099679.2, NM_001379048.1 and 1 more transcripts); c.2653+27129T>C (NM_014010.5); c.2794+27129T>C (NM_001365069.1); c.2806+27129T>C (NM_001365068.1).
Identifiers: ClinVar variation 1979007 (VCV001979007.5), dbSNP rs756141939, ClinGen allele CA5211067.

ClinVar aggregate classification (germline): Likely benign. Review status: criteria provided, multiple submitters, no conflicts (2 of 4 stars). 2 submissions from 2 submitters: Likely benign (2). Last evaluated 2026-06-22.

Conditions:
TRIM32-related disorder. Also called: TRIM32-related condition.
Bardet-Biedl syndrome (BBS). Identifiers: Orphanet 110, MedGen C0752166, MONDO:0015229.

Allele frequency attached by ClinVar (database versions not stated): ExAC 0.00001; gnomAD 0.00001; gnomAD exomes 0.00001; TOPMed 0.00001.
gnomAD v4.1: 9 of 1,614,044 alleles (0.00056%); highest among the groups gnomAD compares: Non-Finnish European, 0.00076%; no homozygotes.

Submissions (2):

PreventionGenetics, part of Exact Sciences
Classification: Likely benign for TRIM32-related condition. Last evaluated: 2026-06-22. Review status: criteria provided, single submitter. Criteria: ACMG Guidelines, 2015. Collection method: clinical testing. Allele origin: germline.
Comment: This variant is classified as likely benign based on ACMG/AMP sequence variant interpretation guidelines (Richards et al. 2015 PMID: 25741868, with internal and published modifications).

Labcorp Genetics (formerly Invitae), Labcorp
Classification: Likely benign for Bardet-Biedl syndrome. Last evaluated: 2023-09-03. Review status: criteria provided, single submitter. Criteria: Invitae Variant Classification Sherloc (09022015). Collection method: clinical testing. Allele origin: germline.